The following is an entry in ClinVar:

ClinVar aggregate classification (germline): Uncertain significance (1 of 4 stars; one submission).

gnomAD v4.1: 1 of 1,613,906 alleles (0.000062%); highest among the groups gnomAD compares: East Asian, 0.0022%; no homozygotes.

Submission:

Labcorp Genetics (formerly Invitae), Labcorp
Classification: Uncertain significance. Last evaluated: 2024-09-20. Review status: criteria provided, single submitter. Criteria: Invitae Variant Classification Sherloc (09022015). Collection method: clinical testing. Allele origin: germline.
Comment: This sequence change replaces arginine, which is basic and polar, with proline, which is neutral and non-polar, at codon 526 of the IL17RD protein (p.Arg526Pro). This variant is present in population databases (no rsID available, gnomAD 0.006%). This variant has not been reported in the literature in individuals affected with IL17RD-related conditions. Invitae Evidence Modeling of protein sequence and biophysical properties (such as structural, functional, and spatial information, amino acid conservation, physicochemical variation, residue mobility, and thermodynamic stability) indicates that this missense variant is not expected to disrupt IL17RD protein function with a negative predictive value of 80%. In summary, the available evidence is currently insufficient to determine the role of this variant in disease. Therefore, it has been classified as a Variant of Uncertain Significance.

NM_017563.5(IL17RD):c.1577G>C (p.Arg526Pro)

Genes: IL17RD (interleukin 17 receptor D; minus strand), LOC126806689 (BRD4-independent group 4 enhancer GRCh37_chr3:57131244-57132443; plus strand). Cytogenetic location: 3p14.3.
Variant type: single nucleotide variant.
Coding change: c.1577G>C on transcript NM_017563.5 (MANE Select); coding-DNA position 1577, G replaced by C.
Protein change: p.Arg526Pro; replaces arginine 526 with proline.
Molecular consequence: missense variant.
Genome position (GRCh38, 1-based): chr3:57,098,126, C>G on the plus strand (G>C on the coding strand, the complement: IL17RD is on the minus strand). VCF-style: chr3-57098126-C-G. GRCh37 (hg19) VCF-style: chr3-57132154-C-G.
Other names: c.1145G>C, p.Arg382Pro (NM_001318864.2); short protein forms R382P, R526P.
Identifiers: ClinVar variation 3718788 (VCV003718788.2).
Genomic context (GRCh38, chr3:57,098,126, plus strand): 5'-ATGGCGACGTATAGGGACCGGCCTGACTTGCTCCGGAAGTAGTTCCTTCTGCTGCCCTGT[C>G]GCGTGTGCTGCCCCGGCTCCTGGAGGCCGTGGTCTCGGGAGTGCAAGTGGGAACAGAGCT-3'
Protein context (NP_060033.3, residues 516-536): HGLQEPGQHT[Arg526Pro]QGSRRNYFRS